The following is an entry in ClinVar:

ClinVar aggregate classification (germline): Uncertain significance (1 of 4 stars; one submission).

Conditions:
Duchenne muscular dystrophy (DMD). Also called: Duchenne Muscular Dystrophy (DMD); MUSCULAR DYSTROPHY, PSEUDOHYPERTROPHIC PROGRESSIVE, DUCHENNE TYPE. Identifiers: Orphanet 98896, MedGen C0013264, MONDO:0010679, OMIM 310200.

Submission:

Labcorp Genetics (formerly Invitae), Labcorp
Classification: Uncertain significance for Duchenne muscular dystrophy. Last evaluated: 2026-01-25. Review status: criteria provided, single submitter. Criteria: Invitae Variant Classification Sherloc (09022015). Collection method: clinical testing. Allele origin: germline.
Comment: This sequence change replaces leucine, which is neutral and non-polar, with valine, which is neutral and non-polar, at codon 2074 of the DMD protein (p.Leu2074Val). This variant is not present in population databases (gnomAD no frequency). This variant has not been reported in the literature in individuals affected with DMD-related conditions. Invitae Evidence Modeling of protein sequence and biophysical properties (such as structural, functional, and spatial information, amino acid conservation, physicochemical variation, residue mobility, and thermodynamic stability) indicates that this missense variant is not expected to disrupt DMD protein function with a negative predictive value of 95%. Algorithms developed to predict the effect of sequence changes on RNA splicing suggest that this variant may create or strengthen a splice site. In summary, the available evidence is currently insufficient to determine the role of this variant in disease. Therefore, it has been classified as a Variant of Uncertain Significance.

NM_004006.3(DMD):c.6220C>G (p.Leu2074Val)

Gene: DMD (dystrophin; minus strand). Cytogenetic location: Xp21.1.
Variant type: single nucleotide variant.
Coding change: c.6220C>G on transcript NM_004006.3 (MANE Select); coding-DNA position 6220, C replaced by G.
Protein change: p.Leu2074Val; replaces leucine 2074 with valine.
Molecular consequence: missense variant.
Genome position (GRCh38, 1-based): chrX:32,287,599, G>C on the plus strand (C>G on the coding strand, the complement: DMD is on the minus strand). VCF-style: chrX-32287599-G-C. GRCh37 (hg19) VCF-style: chrX-32305716-G-C.
Other names: c.6196C>G, p.Leu2066Val (NM_000109.4); c.6208C>G, p.Leu2070Val (NM_004009.3); c.5851C>G, p.Leu1951Val (NM_004010.3); c.2197C>G, p.Leu733Val (NM_004011.4); c.2188C>G, p.Leu730Val (NM_004012.4); short protein forms L1951V, L2066V, L2070V, L2074V, L730V, L733V.
Identifiers: ClinVar variation 4800956 (VCV004800956.1).